The following is an entry in ClinVar:

ClinVar aggregate classification (germline): Uncertain significance (1 of 4 stars; one submission).

Submission:

GeneDx
Classification: Uncertain significance. Last evaluated: 2024-01-18. Review status: criteria provided, single submitter. Criteria: GeneDx Variant Classification Process June 2021. Collection method: clinical testing. Allele origin: germline. Affected: yes.
Comment: Not observed at significant frequency in large population cohorts (gnomAD); In silico analysis supports that this missense variant does not alter protein structure/function

NM_017988.6(SCYL2):c.718T>G (p.Ser240Ala)

Gene: SCYL2 (SCY1 like pseudokinase 2; plus strand). Cytogenetic location: 12q23.1.
Variant type: single nucleotide variant.
Coding change: c.718T>G on transcript NM_017988.6 (MANE Select); coding-DNA position 718, T replaced by G.
Protein change: p.Ser240Ala; replaces serine 240 with alanine.
Molecular consequence: missense variant.
Genome position (GRCh38, 1-based): chr12:100,312,519, T>G. VCF-style: chr12-100312519-T-G. GRCh37 (hg19) VCF-style: chr12-100706297-T-G.
Other names: c.718T>G, p.Ser240Ala (NM_001317784.2, NM_001330253.2, NM_001330254.2); c.199T>G, p.Ser67Ala (NM_001330256.2); short protein forms S240A, S67A.
Identifiers: ClinVar variation 2687783 (VCV002687783.1), dbSNP rs2096343406.
Genomic context (GRCh38, chr12:100,312,519, plus strand): 5'-CCAAATTTACCTTCATTGTGTCTTCCAAATCCTGAATATTTGGCTCCTGAATACATACTT[T>G]CTGTGAGCTGTGAAACAGCCAGTGATATGTATTCTTTAGGAACTGTTATGTATGCTGTAT-3'
Protein context (NP_060458.3, residues 230-250): PEYLAPEYIL[Ser240Ala]VSCETASDMY